The following is an entry in ClinVar:

NM_020778.5(ALPK3):c.3555_3560dup (p.Arg1186_Glu1187dup)

Gene: ALPK3 (alpha kinase 3; plus strand). Cytogenetic location: 15q25.3.
Variant type: Duplication.
Coding change: c.3555_3560dup on transcript NM_020778.5 (MANE Select); coding-DNA positions 3555 to 3560, 6 bases duplicated (AAGGGA; older notation c.3555_3560dupAAGGGA).
Protein change: p.Arg1186_Glu1187dup.
Molecular consequence: inframe insertion.
Genome position (GRCh38, 1-based): chr15:84,858,293-84,858,298, AAGGGA duplicated; duplicating any 6 consecutive bases within chr15:84,858,291-84,858,298 gives the same sequence; the c. name uses the placement nearest the transcript's 3' end. VCF-style (leftmost placement, unchanged base first): chr15-84858290-A-AGAAAGG. GRCh37 (hg19) VCF-style: chr15-85401521-A-AGAAAGG.
Other names: c.4161_4166dupAAGGGA (NM_020778.4).
Identifiers: ClinVar variation 1284739 (VCV001284739.8), dbSNP rs756614935, ClinGen allele CA7709659.
Genomic context (GRCh38, chr15:84,858,290, plus strand): 5'-GAGGAAGAGATTTCTCCCTAAGGTCAGAGCAGCAGGAGACGGGGAGGCAACCACACCTGA[A>AGAAAGG]GAAAGGGAGAGCCCCACGGTTTCCCCCCGGGGGCCCAGGAAAAGCCTGGTGCCTGGGTCC-3'

ClinVar aggregate classification (germline): Conflicting classifications of pathogenicity. Review status: criteria provided, conflicting classifications (1 of 4 stars). 5 submissions from 5 submitters: Uncertain significance (2); Likely benign (1). 2 of the submissions do not count toward it. Last evaluated 2026-06-30.

Conditions:
Cardiovascular phenotype. Identifiers: MedGen CN230736.

Submissions (5):

Ambry Genetics
Classification: Uncertain significance for Cardiovascular phenotype. Last evaluated: 2026-06-30. Review status: criteria provided, single submitter. Criteria: Ambry Variant Classification Scheme 2023. Collection method: clinical testing. Allele origin: germline.
Comment: The c.4161_4166dupAAGGGA variant (also known as p.R1388_E1389dup), located in coding exon 6 of the ALPK3 gene, results from an in-frame duplication of AAGGGA at nucleotide positions 4161 to 4166. This results in the duplication of 2 extra residues (RE) between codons 1388 and 1389. This variant was reported in individual(s) tested for hypertrophic cardiomyopathy (van Lint FHM et al. Neth Heart J. 2019 Jun;27(6):304-309). This amino acid region is not well conserved in available vertebrate species. In addition, the in silico prediction for this variant is inconclusive (Choi Y et al. PLoS ONE. 2012; 7(10):e46688). Based on the available evidence, the clinical significance of this variant remains unclear.

Labcorp Genetics (formerly Invitae), Labcorp
Classification: Uncertain significance. Last evaluated: 2025-07-29. Review status: criteria provided, single submitter. Criteria: Invitae Variant Classification Sherloc (09022015). Collection method: clinical testing. Allele origin: germline.
Comment: This variant, c.4161_4166dup, results in the insertion of 2 amino acid(s) of the ALPK3 protein (p.Arg1388_Glu1389dup), but otherwise preserves the integrity of the reading frame. This variant is present in population databases (rs756614935, gnomAD 0.001%). This variant has not been reported in the literature in individuals affected with ALPK3-related conditions. ClinVar contains an entry for this variant (Variation ID: 1284739). In summary, the available evidence is currently insufficient to determine the role of this variant in disease. Therefore, it has been classified as a Variant of Uncertain Significance.

Blueprint Genetics
Classification: Likely benign. Last evaluated: 2023-01-12. Review status: criteria provided, single submitter. Criteria: ACMG Guidelines, 2015. Collection method: clinical testing. Allele origin: germline.

Clinical Genetics, Academic Medical Center
Classification: Uncertain significance. Review status: no assertion criteria provided. Collection method: clinical testing. Allele origin: germline. Affected: yes. Study: VKGL Data-share Consensus. Not counted in ClinVar's aggregate classification.

Diagnostic Laboratory, Department of Genetics, University Medical Center Groningen
Classification: Uncertain significance. Review status: no assertion criteria provided. Collection method: clinical testing. Allele origin: germline. Affected: yes. Study: VKGL Data-share Consensus. Not counted in ClinVar's aggregate classification.

Literature cited by the submitters: PubMed 30847666 (cited by Ambry Genetics).